The following is an entry in ClinVar:

NM_005904.4(SMAD7):c.166G>A (p.Gly56Ser)

Gene: SMAD7 (SMAD family member 7; minus strand). Cytogenetic location: 18q21.1.
Variant type: single nucleotide variant.
Coding change: c.166G>A on transcript NM_005904.4 (MANE Select); coding-DNA position 166, G replaced by A.
Protein change: p.Gly56Ser; replaces glycine 56 with serine.
Molecular consequence: missense variant.
Genome position (GRCh38, 1-based): chr18:48,950,259, C>T on the plus strand (G>A on the coding strand, the complement: SMAD7 is on the minus strand). VCF-style: chr18-48950259-C-T. GRCh37 (hg19) VCF-style: chr18-46476629-C-T.
Other names: c.166G>A, p.Gly56Ser (NM_001190821.2); short protein forms G56S.
Identifiers: ClinVar variation 2247899 (VCV002247899.4), dbSNP rs778935609, ClinGen allele CA299949177.
Genomic context (GRCh38, chr18:48,950,259, plus strand): 5'-GGGGATGGTGGTGACCTTTGGCACCTCGCACCGCCTTGCCCAGGCAGCATCCAGCCCTGC[C>T]CGGGCCGCCGCCACCGGCCCCATGCGCTCGGCTGTCCGTCGCCCCTTCTCCCCGCAGCTC-3'
Protein context (NP_005895.1, residues 46-66): RAHGAGGGGP[Gly56Ser]RAGCCLGKAV

ClinVar aggregate classification (germline): Uncertain significance. Review status: criteria provided, multiple submitters, no conflicts (2 of 4 stars). 2 submissions from 2 submitters: Uncertain significance (2). Last evaluated 2024-03-12.

Conditions:
Colorectal cancer, susceptibility to, 3. Also called: COLORECTAL CANCER, SUSCEPTIBILITY TO, ON CHROMOSOME 18. Identifiers: MedGen C2677123, MONDO:0012820, OMIM 612229.

Allele frequency attached by ClinVar (database versions not stated): TOPMed 0.00011; gnomAD 0.00015; gnomAD exomes 0.00022.

Submissions (2):

Ambry Genetics
Classification: Uncertain significance. Last evaluated: 2024-03-12. Review status: criteria provided, single submitter. Criteria: Ambry Variant Classification Scheme 2023. Collection method: clinical testing. Allele origin: germline.

Laboratorio de Genetica e Diagnostico Molecular, Hospital Israelita Albert Einstein
Classification: Uncertain significance for Colorectal cancer, susceptibility to, 3. Last evaluated: 2022-11-18. Review status: criteria provided, single submitter. Criteria: ACMG Guidelines, 2015. Collection method: clinical testing. Allele origin: germline. Affected: yes.
Comment: ACMG classification criteria: BP4 supporting